The following is an entry in ClinVar:

ClinVar aggregate classification (germline): Likely benign (1 of 4 stars; one submission).

Allele frequency attached by ClinVar (database versions not stated): 1000 Genomes Project 30x 0.00109; 1000 Genomes Project 0.00120; ESP Exome Variant Server 0.00299; TOPMed 0.00311; gnomAD 0.00417; ExAC 0.00580.
gnomAD v4.1: 8,337 of 1,613,772 alleles (0.52%); highest among the groups gnomAD compares: Non-Finnish European, 0.6%; 39 homozygotes.

Submission:

CeGaT Center for Human Genetics Tuebingen
Classification: Likely benign. Last evaluated: 2023-04-01. Review status: criteria provided, single submitter. Criteria: CeGaT Center For Human Genetics Tuebingen Variant Classification Criteria Version 2. Collection method: clinical testing. Allele origin: germline. Affected: yes. Observed: 2 variant alleles.
Comment: MYOM3: BP4, BS2

NM_152372.4(MYOM3):c.188C>A (p.Ala63Glu)

Gene: MYOM3 (myomesin 3; minus strand). Cytogenetic location: 1p36.11.
Variant type: single nucleotide variant.
Coding change: c.188C>A on transcript NM_152372.4 (MANE Select); coding-DNA position 188, C replaced by A.
Protein change: p.Ala63Glu; replaces alanine 63 with glutamic acid.
Molecular consequence: missense variant.
Genome position (GRCh38, 1-based): chr1:24,108,047, G>T on the plus strand (C>A on the coding strand, the complement: MYOM3 is on the minus strand). VCF-style: chr1-24108047-G-T. GRCh37 (hg19) VCF-style: chr1-24434537-G-T.
Other names: short protein forms A63E.
Identifiers: ClinVar variation 2638492 (VCV002638492.24), dbSNP rs190949233, ClinGen allele CA688743.